The following is an entry in ClinVar:

ClinVar aggregate classification (germline): Likely benign. Review status: criteria provided, multiple submitters, no conflicts (2 of 4 stars). 2 submissions from 2 submitters: Likely benign (2). Last evaluated 2025-10-11.

Allele frequency attached by ClinVar (database versions not stated): TOPMed 0.00003; gnomAD 0.00005; gnomAD exomes 0.00006; ESP Exome Variant Server 0.00009.
gnomAD v4.1: 68 of 1,197,597 alleles (0.0057%); highest among the groups gnomAD compares: Non-Finnish European, 0.0063%; no homozygotes.

Submissions (2):

Labcorp Genetics (formerly Invitae), Labcorp
Classification: Likely benign. Last evaluated: 2025-10-11. Review status: criteria provided, single submitter. Criteria: Invitae Variant Classification Sherloc (09022015). Collection method: clinical testing. Allele origin: germline.

CeGaT Center for Human Genetics Tuebingen
Classification: Likely benign. Last evaluated: 2024-04-01. Review status: criteria provided, single submitter. Criteria: CeGaT Center For Human Genetics Tuebingen Variant Classification Criteria Version 2. Collection method: clinical testing. Allele origin: germline. Affected: yes. Observed: 2 variant alleles.
Comment: POLA1: BP4, BP7, BS2

NM_001330360.2(POLA1):c.3180G>A (p.Lys1060=)

Gene: POLA1 (DNA polymerase alpha 1, catalytic subunit; plus strand). Cytogenetic location: Xp22.11.
Variant type: single nucleotide variant.
Coding change: c.3180G>A on transcript NM_001330360.2 (MANE Select); coding-DNA position 3180, G replaced by A.
Protein change: p.Lys1060=; no amino-acid change (lysine 1060 retained).
Molecular consequence: synonymous variant. On other transcripts: non-coding transcript variant (2).
Genome position (GRCh38, 1-based): chrX:24,812,747, G>A. VCF-style: chrX-24812747-G-A. GRCh37 (hg19) VCF-style: chrX-24830864-G-A.
Other names: c.3105G>A, p.Lys1035= (NM_001378303.1); c.3162G>A, p.Lys1054= (NM_016937.4).
Identifiers: ClinVar variation 1562903 (VCV001562903.31), dbSNP rs367896351, ClinGen allele CA10373487.